The following is an entry in ClinVar:

NM_032217.5(ANKRD17):c.278_292del (p.Asp93_Gly97del)

Gene: ANKRD17 (ankyrin repeat domain 17; minus strand). Cytogenetic location: 4q13.3.
Variant type: Deletion.
Coding change: c.278_292del on transcript NM_032217.5 (MANE Select); coding-DNA positions 278 to 292, 15 bases deleted (ACAACAGCGGCGGCG).
Protein change: p.Asp93_Gly97del.
Genome position (GRCh38, 1-based): chr4:73,258,377-73,258,391, CGCCGCCGCTGTTGT deleted on the plus strand (ACAACAGCGGCGGCG on the coding strand, the reverse complement: ANKRD17 is on the minus strand); deleting any 15 consecutive bases within chr4:73,258,377-73,258,394 gives the same sequence; the c. name uses the placement nearest the transcript's 3' end. VCF-style (leftmost placement, unchanged base first): chr4-73258376-CCGCCGCCGCTGTTGT-C. GRCh37 (hg19) VCF-style: chr4-74124093-CCGCCGCCGCTGTTGT-C.
Other names: c.278_292del, p.Asp93_Gly97del (NM_015574.2, NM_198889.3).
Identifiers: ClinVar variation 4537829 (VCV004537829.1).

ClinVar aggregate classification (germline): Uncertain significance (1 of 4 stars; one submission).

Submission:

GeneDx
Classification: Uncertain significance. Last evaluated: 2025-06-15. Review status: criteria provided, single submitter. Criteria: GeneDx Variant Classification Process June 2021. Collection method: clinical testing. Allele origin: germline. Affected: yes.
Comment: Not observed at significant frequency in large population cohorts (gnomAD); In-frame deletion of 5 amino acid(s) in a non-repeat region; In silico analysis suggests that this variant does not alter protein structure/function; Has not been previously published as pathogenic or benign to our knowledge; In silico analysis is inconclusive as to whether the variant alters gene splicing. In the absence of RNA/functional studies, the actual effect of this sequence change is unknown.